The following is an entry in ClinVar:

ClinVar aggregate classification (germline): Uncertain significance. Review status: criteria provided, multiple submitters, no conflicts (2 of 4 stars). 2 submissions from 2 submitters: Uncertain significance (2). Last evaluated 2022-07-25.

Conditions:
Bifunctional peroxisomal enzyme deficiency (DBIF). Also called: PBFE DEFICIENCY; D-bifunctional protein deficiency; DBP DEFICIENCY. Identifiers: Orphanet 300, MedGen C0342870, MONDO:0009855, OMIM 261515. Disease mechanism: loss of function.
Perrault syndrome. Also called: Gonadal dysgenesis with auditory dysfunction, autosomal recessive inheritance. Identifiers: Orphanet 2855, MedGen C0685838, MONDO:0017312.

Allele frequency attached by ClinVar (database versions not stated): gnomAD exomes below 0.00001.
gnomAD v4.1: 2 of 1,585,254 alleles (0.00013%); highest among the groups gnomAD compares: Admixed American, 0.0033%; no homozygotes.

Submissions (2):

Labcorp Genetics (formerly Invitae), Labcorp
Classification: Uncertain significance for Perrault syndrome; Bifunctional peroxisomal enzyme deficiency. Last evaluated: 2022-07-25. Review status: criteria provided, single submitter. Criteria: Invitae Variant Classification Sherloc (09022015). Collection method: clinical testing. Allele origin: germline.
Comment: This sequence change replaces alanine, which is neutral and non-polar, with aspartic acid, which is acidic and polar, at codon 430 of the HSD17B4 protein (p.Ala430Asp). This variant is present in population databases (no rsID available, gnomAD 0.003%). This variant has not been reported in the literature in individuals affected with HSD17B4-related conditions. ClinVar contains an entry for this variant (Variation ID: 596093). Algorithms developed to predict the effect of missense changes on protein structure and function are either unavailable or do not agree on the potential impact of this missense change (SIFT: "Tolerated"; PolyPhen-2: "Probably Damaging"; Align-GVGD: "Class C0"). In summary, the available evidence is currently insufficient to determine the role of this variant in disease. Therefore, it has been classified as a Variant of Uncertain Significance.

Eurofins Ntd Llc (ga)
Classification: Uncertain significance. Last evaluated: 2018-02-10. Review status: criteria provided, single submitter. Criteria: EGL ClinVar v180209 classification definitions. Collection method: clinical testing. Allele origin: germline. Observed: 1 variant allele, 1 heterozygote.

NM_000414.4(HSD17B4):c.1289C>A (p.Ala430Asp)

Gene: HSD17B4 (hydroxysteroid 17-beta dehydrogenase 4; plus strand). Cytogenetic location: 5q23.1.
Variant type: single nucleotide variant.
Coding change: c.1289C>A on transcript NM_000414.4 (MANE Select); coding-DNA position 1289, C replaced by A.
Protein change: p.Ala430Asp; replaces alanine 430 with aspartic acid.
Molecular consequence: missense variant.
Genome position (GRCh38, 1-based): chr5:119,506,845, C>A. VCF-style: chr5-119506845-C-A. GRCh37 (hg19) VCF-style: chr5-118842540-C-A.
Other names: c.1364C>A, p.Ala455Asp (NM_001199291.3); c.1235C>A, p.Ala412Asp (NM_001199292.2); c.1217C>A, p.Ala406Asp (NM_001292027.2); c.869C>A, p.Ala290Asp (NM_001292028.2); short protein forms A430D, A290D, A406D, A412D, A455D.
Identifiers: ClinVar variation 596093 (VCV000596093.9), dbSNP rs1282621174, ClinGen allele CA360868551.